The following is an entry in ClinVar:

NM_003383.5(VLDLR):c.2463T>C (p.Asn821=)

Gene: VLDLR (very low density lipoprotein receptor; plus strand). Cytogenetic location: 9p24.2.
Variant type: single nucleotide variant.
Coding change: c.2463T>C on transcript NM_003383.5 (MANE Select); coding-DNA position 2463, T replaced by C.
Protein change: p.Asn821=; no amino-acid change (asparagine 821 retained).
Molecular consequence: synonymous variant.
Genome position (GRCh38, 1-based): chr9:2,652,826, T>C. VCF-style: chr9-2652826-T-C. GRCh37 (hg19) VCF-style: chr9-2652826-T-C.
Other names: c.2379T>C, p.Asn793= (NM_001018056.3); c.2340T>C, p.Asn780= (NM_001322225.2); c.2256T>C, p.Asn752= (NM_001322226.2); c.2463T>C (NM_003383.4).
Identifiers: ClinVar variation 2904108 (VCV002904108.6), dbSNP rs140801553, ClinGen allele CA4965212.
Genomic context (GRCh38, chr9:2,652,826, plus strand): 5'-CTGATTTTTTTCAGTGCTCTTAGTGATGGCAGCAGTAGGTGGCTACTTGATGTGGCGGAA[T>C]TGGCAACACAAGAACATGAAAAGCATGAACTTTGACAATCCTGTGTACTTGAAAACCACT-3'
Protein context (NP_003374.3, residues 811-831): AAVGGYLMWR[Asn821=]WQHKNMKSMN

ClinVar aggregate classification (germline): Likely benign. Review status: criteria provided, multiple submitters, no conflicts (2 of 4 stars). 3 submissions from 3 submitters: Likely benign (2). 1 of the submissions does not count toward it. Last evaluated 2026-01-09.

Conditions:
VLDLR-related disorder. Also called: VLDLR-related condition.

Allele frequency attached by ClinVar (database versions not stated): gnomAD 0.00006; ExAC 0.00007; ESP Exome Variant Server 0.00008; TOPMed 0.00009; 1000 Genomes Project 30x 0.00016; 1000 Genomes Project 0.00020.

Submissions (3):

Labcorp Genetics (formerly Invitae), Labcorp
Classification: Likely benign. Last evaluated: 2026-01-09. Review status: criteria provided, single submitter. Criteria: Invitae Variant Classification Sherloc (09022015). Collection method: clinical testing. Allele origin: germline.

Blueprint Genetics
Classification: Likely benign. Last evaluated: 2024-02-22. Review status: criteria provided, single submitter. Criteria: ACMG Guidelines, 2015. Collection method: clinical testing. Allele origin: germline.

PreventionGenetics, part of Exact Sciences
Classification: Likely benign for VLDLR-related condition. Last evaluated: 2021-01-28. Review status: no assertion criteria provided. Collection method: clinical testing. Allele origin: germline. Not counted in ClinVar's aggregate classification.
Comment: This variant is classified as likely benign based on ACMG/AMP sequence variant interpretation guidelines (Richards et al. 2015 PMID: 25741868, with internal and published modifications).